The following is an entry in ClinVar:

NM_001987.5(ETV6):c.754C>T (p.His252Tyr)

Gene: ETV6 (ETS variant transcription factor 6; plus strand). Cytogenetic location: 12p13.2.
Variant type: single nucleotide variant.
Coding change: c.754C>T on transcript NM_001987.5 (MANE Select); coding-DNA position 754, C replaced by T.
Protein change: p.His252Tyr; replaces histidine 252 with tyrosine.
Molecular consequence: missense variant.
Genome position (GRCh38, 1-based): chr12:11,869,714, C>T. VCF-style: chr12-11869714-C-T. GRCh37 (hg19) VCF-style: chr12-12022648-C-T.
Other names: c.751C>T, p.His251Tyr (NM_001413913.1); c.727C>T, p.His243Tyr (NM_001413914.1); c.490C>T, p.His164Tyr (NM_001413915.1); c.754C>T, p.His252Tyr (NM_001413916.1, NM_001413917.1); short protein forms H164Y, H243Y, H251Y, H252Y.
Identifiers: ClinVar variation 3602652 (VCV003602652.2).

ClinVar aggregate classification (germline): Uncertain significance. Review status: criteria provided, multiple submitters, no conflicts (2 of 4 stars). 2 submissions from 2 submitters: Uncertain significance (2). Last evaluated 2025-03-26.

Conditions:
Thrombocytopenia 5 (THC5). Also called: THROMBOCYTOPENIA 5 WITH INCREASED SUSCEPTIBILITY TO MALIGNANCY; THROMBOCYTOPENIA, AUTOSOMAL DOMINANT, 5. Identifiers: MedGen C4015537, MONDO:0014536, OMIM 616216.
Inborn genetic diseases. Identifiers: MedGen C0950123, MeSH D030342.

gnomAD v4.1: 4 of 1,613,956 alleles (0.00025%); highest among the groups gnomAD compares: East Asian, 0.0045%; no homozygotes.

Submissions (2):

Ambry Genetics
Classification: Uncertain significance for Inborn genetic diseases. Last evaluated: 2025-03-26. Review status: criteria provided, single submitter. Criteria: Ambry Variant Classification Scheme 2023. Collection method: clinical testing. Allele origin: germline.
Comment: The p.H252Y variant (also known as c.754C>T), located in coding exon 5 of the ETV6 gene, results from a C to T substitution at nucleotide position 754. The histidine at codon 252 is replaced by tyrosine, an amino acid with similar properties. This amino acid position is conserved. In addition, this alteration is predicted to be tolerated by in silico analysis. Based on the available evidence, the clinical significance of this variant remains unclear.

St. Jude Molecular Pathology, St. Jude Children's Research Hospital
Classification: Uncertain significance for Thrombocytopenia 5. Last evaluated: 2024-07-24. Review status: criteria provided, single submitter. Criteria: St. Jude Assertion Criteria 2020. Collection method: clinical testing. Allele origin: germline.
Comment: The ETV6 c.754C>T (p.His252Tyr) missense change has a maximum subpopulation frequency of 0.006% in gnomAD v2.1.1. The in silico tool REVEL predicts a benign effect on protein function, but this prediction has not been confirmed by functional studies. This variant has not been reported in the literature in individuals with ETV6-related disease. In summary, the evidence currently available is insufficient to determine the clinical significance of this variant. It has therefore been classified as of uncertain significance.